The following is an entry in ClinVar:

ClinVar aggregate classification (germline): Uncertain significance (1 of 4 stars; one submission).

Conditions:
Developmental and epileptic encephalopathy, 33 (DEE33). Also called: Epileptic encephalopathy, early infantile, 33. Identifiers: Orphanet 442835, MedGen C4225337, MONDO:0014625, OMIM 616409.

Allele frequency attached by ClinVar (database versions not stated): TOPMed below 0.00001; ESP Exome Variant Server 0.00008.

Submission:

Labcorp Genetics (formerly Invitae), Labcorp
Classification: Uncertain significance for Developmental and epileptic encephalopathy, 33. Last evaluated: 2024-01-17. Review status: criteria provided, single submitter. Criteria: Invitae Variant Classification Sherloc (09022015). Collection method: clinical testing. Allele origin: germline.
Comment: This sequence change replaces arginine, which is basic and polar, with histidine, which is basic and polar, at codon 69 of the EEF1A2 protein (p.Arg69His). This variant is not present in population databases (gnomAD no frequency). This variant has not been reported in the literature in individuals affected with EEF1A2-related conditions. Advanced modeling of protein sequence and biophysical properties (such as structural, functional, and spatial information, amino acid conservation, physicochemical variation, residue mobility, and thermodynamic stability) performed at Invitae indicates that this missense variant is not expected to disrupt EEF1A2 protein function with a negative predictive value of 80%. This variant disrupts the p.Arg69 amino acid residue in EEF1A2. Other variant(s) that disrupt this residue have been determined to be pathogenic (Invitae). This suggests that this residue is clinically significant, and that variants that disrupt this residue are likely to be disease-causing. In summary, the available evidence is currently insufficient to determine the role of this variant in disease. Therefore, it has been classified as a Variant of Uncertain Significance.

NM_001958.5(EEF1A2):c.206G>A (p.Arg69His)

Gene: EEF1A2 (eukaryotic translation elongation factor 1 alpha 2; minus strand). Cytogenetic location: 20q13.33.
Variant type: single nucleotide variant.
Coding change: c.206G>A on transcript NM_001958.5 (MANE Select); coding-DNA position 206, G replaced by A.
Protein change: p.Arg69His; replaces arginine 69 with histidine.
Molecular consequence: missense variant.
Genome position (GRCh38, 1-based): chr20:63,495,974, C>T on the plus strand (G>A on the coding strand, the complement: EEF1A2 is on the minus strand). VCF-style: chr20-63495974-C-T. GRCh37 (hg19) VCF-style: chr20-62127327-C-T.
Other names: short protein forms R69H.
Identifiers: ClinVar variation 2706765 (VCV002706765.3), dbSNP rs144968314, ClinGen allele CA317442726.